The following is an entry in ClinVar:

NM_000057.4(BLM):c.3785A>G (p.Gln1262Arg)

Gene: BLM (BLM RecQ like helicase; plus strand). Cytogenetic location: 15q26.1.
Variant type: single nucleotide variant.
Coding change: c.3785A>G on transcript NM_000057.4 (MANE Select); coding-DNA position 3785, A replaced by G.
Protein change: p.Gln1262Arg; replaces glutamine 1262 with arginine.
Molecular consequence: missense variant.
Genome position (GRCh38, 1-based): chr15:90,809,170, A>G. VCF-style: chr15-90809170-A-G. GRCh37 (hg19) VCF-style: chr15-91352400-A-G.
Other names: c.3785A>G, p.Gln1262Arg (NM_001287246.2); c.3392A>G, p.Gln1131Arg (NM_001287247.2); c.2660A>G, p.Gln887Arg (NM_001287248.2); short protein forms Q1262R, Q887R, Q1131R.
Identifiers: ClinVar variation 2830932 (VCV002830932.3), dbSNP rs2505561477, ClinGen allele CA393849651.
Genomic context (GRCh38, chr15:90,809,170, plus strand): 5'-AATTCCTAATTTTATGCCTTTGCACAGAATCTTTATCTTCTGATCCTGAGGTTTTGCTTC[A>G]AATTGATGGTGTTACTGAAGACAAACTGGAAAAATATGGTGCGGAAGTGATTTCAGTATT-3'
Protein context (NP_000048.1, residues 1252-1272): SLSSDPEVLL[Gln1262Arg]IDGVTEDKLE

ClinVar aggregate classification (germline): Uncertain significance (1 of 4 stars; one submission).

Conditions:
Bloom syndrome (BLM). Also called: Bloom-Torre-Machacek syndrome. Identifiers: Orphanet 125, MedGen C0005859, MONDO:0008876, OMIM 210900.

Submission:

Labcorp Genetics (formerly Invitae), Labcorp
Classification: Uncertain significance for Bloom syndrome. Last evaluated: 2024-10-07. Review status: criteria provided, single submitter. Criteria: Invitae Variant Classification Sherloc (09022015). Collection method: clinical testing. Allele origin: germline.
Comment: This sequence change replaces glutamine, which is neutral and polar, with arginine, which is basic and polar, at codon 1262 of the BLM protein (p.Gln1262Arg). This variant is not present in population databases (gnomAD no frequency). This variant has not been reported in the literature in individuals affected with BLM-related conditions. Invitae Evidence Modeling of protein sequence and biophysical properties (such as structural, functional, and spatial information, amino acid conservation, physicochemical variation, residue mobility, and thermodynamic stability) indicates that this missense variant is not expected to disrupt BLM protein function with a negative predictive value of 80%. In summary, the available evidence is currently insufficient to determine the role of this variant in disease. Therefore, it has been classified as a Variant of Uncertain Significance.